The following is an entry in ClinVar:

ClinVar aggregate classification (germline): Uncertain significance (1 of 4 stars; one submission).

Conditions:
Bifunctional peroxisomal enzyme deficiency (DBIF). Also called: DBP DEFICIENCY; PBFE DEFICIENCY; D-bifunctional protein deficiency. Identifiers: Orphanet 300, MedGen C0342870, MONDO:0009855, OMIM 261515. Disease mechanism: loss of function.
Perrault syndrome. Also called: Gonadal dysgenesis with auditory dysfunction, autosomal recessive inheritance. Identifiers: Orphanet 2855, MedGen C0685838, MONDO:0017312.

Allele frequency attached by ClinVar (database versions not stated): gnomAD 0.00001; gnomAD exomes 0.00002; ESP Exome Variant Server 0.00008; TOPMed 0.00001; ExAC 0.00002.
gnomAD v4.1: 28 of 1,598,128 alleles (0.0018%); highest among the groups gnomAD compares: Non-Finnish European, 0.0023%; no homozygotes.

Submission:

Labcorp Genetics (formerly Invitae), Labcorp
Classification: Uncertain significance for Perrault syndrome; Bifunctional peroxisomal enzyme deficiency. Last evaluated: 2025-11-19. Review status: criteria provided, single submitter. Criteria: Invitae Variant Classification Sherloc (09022015). Collection method: clinical testing. Allele origin: germline.
Comment: This sequence change replaces glycine, which is neutral and non-polar, with glutamic acid, which is acidic and polar, at codon 91 of the HSD17B4 protein (p.Gly91Glu). This variant is present in population databases (rs140143128, gnomAD 0.0009%). This variant has not been reported in the literature in individuals affected with HSD17B4-related conditions. ClinVar contains an entry for this variant (Variation ID: 2139407). Invitae Evidence Modeling of protein sequence and biophysical properties (such as structural, functional, and spatial information, amino acid conservation, physicochemical variation, residue mobility, and thermodynamic stability) indicates that this missense variant is expected to disrupt HSD17B4 protein function with a positive predictive value of 95%. In summary, the available evidence is currently insufficient to determine the role of this variant in disease. Therefore, it has been classified as a Variant of Uncertain Significance.

NM_000414.4(HSD17B4):c.272G>A (p.Gly91Glu)

Gene: HSD17B4 (hydroxysteroid 17-beta dehydrogenase 4; plus strand). Cytogenetic location: 5q23.1.
Variant type: single nucleotide variant.
Coding change: c.272G>A on transcript NM_000414.4 (MANE Select); coding-DNA position 272, G replaced by A.
Protein change: p.Gly91Glu; replaces glycine 91 with glutamic acid.
Molecular consequence: missense variant. On other transcripts: 5 prime UTR variant (6), non-coding transcript variant (2).
Genome position (GRCh38, 1-based): chr5:119,474,452, G>A. VCF-style: chr5-119474452-G-A. GRCh37 (hg19) VCF-style: chr5-118810147-G-A.
Other names: c.347G>A, p.Gly116Glu (NM_001199291.3); c.218G>A, p.Gly73Glu (NM_001199292.2); c.200G>A, p.Gly67Glu (NM_001292027.2); c.-140G>A (NM_001292028.2, NM_001374501.1, NM_001374502.1 and 1 more transcripts); c.272G>A, p.Gly91Glu (NM_001374497.1, NM_001374498.1); c.-9G>A (NM_001374499.1); c.-267G>A (NM_001374500.1); short protein forms G67E, G116E, G91E, G73E.
Identifiers: ClinVar variation 2139407 (VCV002139407.2), dbSNP rs140143128, ClinGen allele CA3381739.